The following is an entry in ClinVar:

ClinVar aggregate classification (germline): Uncertain significance. Review status: criteria provided, multiple submitters, no conflicts (2 of 4 stars). 2 submissions from 2 submitters: Uncertain significance (2). Last evaluated 2025-10-02.

Allele frequency attached by ClinVar (database versions not stated): gnomAD 0.00001; ExAC 0.00002; gnomAD exomes 0.00002; ESP Exome Variant Server 0.00008.
gnomAD v4.1: 27 of 1,613,588 alleles (0.0017%); highest among the groups gnomAD compares: Non-Finnish European, 0.0019%; no homozygotes.

Submissions (2):

Ambry Genetics
Classification: Uncertain significance. Last evaluated: 2025-10-02. Review status: criteria provided, single submitter. Criteria: Ambry Variant Classification Scheme 2023. Collection method: clinical testing. Allele origin: germline.

Labcorp Genetics (formerly Invitae), Labcorp
Classification: Uncertain significance. Last evaluated: 2023-12-10. Review status: criteria provided, single submitter. Criteria: Invitae Variant Classification Sherloc (09022015). Collection method: clinical testing. Allele origin: germline.
Comment: This sequence change replaces phenylalanine, which is neutral and non-polar, with serine, which is neutral and polar, at codon 595 of the GEN1 protein (p.Phe595Ser). This variant is present in population databases (rs374084262, gnomAD 0.005%). This variant has not been reported in the literature in individuals affected with GEN1-related conditions. An algorithm developed to predict the effect of missense changes on protein structure and function (PolyPhen-2) suggests that this variant is likely to be disruptive. In summary, the available evidence is currently insufficient to determine the role of this variant in disease. Therefore, it has been classified as a Variant of Uncertain Significance.

NM_001130009.3(GEN1):c.1784T>C (p.Phe595Ser)

Gene: GEN1 (GEN1 structure-specific endonuclease; plus strand). Cytogenetic location: 2p24.2.
Variant type: single nucleotide variant.
Coding change: c.1784T>C on transcript NM_001130009.3 (MANE Select); coding-DNA position 1784, T replaced by C.
Protein change: p.Phe595Ser; replaces phenylalanine 595 with serine.
Molecular consequence: missense variant.
Genome position (GRCh38, 1-based): chr2:17,780,996, T>C. VCF-style: chr2-17780996-T-C. GRCh37 (hg19) VCF-style: chr2-17962263-T-C.
Other names: c.1784T>C (NM_001130009.1); c.1784T>C, p.Phe595Ser (NM_182625.5); short protein forms F595S.
Identifiers: ClinVar variation 2884690 (VCV002884690.5), dbSNP rs374084262, ClinGen allele CA1540831.